The following is an entry in ClinVar:

ClinVar aggregate classification (germline): Pathogenic. Review status: criteria provided, multiple submitters, no conflicts (2 of 4 stars). 2 submissions from 2 submitters: Pathogenic (2). Last evaluated 2022-05-16.

Conditions:
Familial X-linked hypophosphatemic vitamin D refractory rickets (XLHRD). Also called: X-Linked Hypophosphatemia; Hypophosphatemic Rickets, X-Linked Dominant; HYPOPHOSPHATEMIC VITAMIN D-RESISTANT RICKETS; Hypophosphatemia, vitamin D-resistant rickets; Vitamin D-resistant rickets, X-linked. Identifiers: Orphanet 89936, MedGen C0733682, MONDO:0010619, OMIM 307800.

Submissions (2):

Labcorp Genetics (formerly Invitae), Labcorp
Classification: Pathogenic. Last evaluated: 2022-05-16. Review status: criteria provided, single submitter. Criteria: Invitae Variant Classification Sherloc (09022015). Collection method: clinical testing. Allele origin: germline.
Comment: For these reasons, this variant has been classified as Pathogenic. ClinVar contains an entry for this variant (Variation ID: 438539). This variant is also known as c.187+1del. This premature translational stop signal has been observed in individual(s) with hypophosphatemic rickets (PMID: 22577109). This variant is not present in population databases (gnomAD no frequency). This sequence change creates a premature translational stop signal (p.Ala63Leufs*5) in the PHEX gene. It is expected to result in an absent or disrupted protein product. Loss-of-function variants in PHEX are known to be pathogenic (PMID: 9097956, 9106524, 19219621).

Institute of Human Genetics Munich, TUM University Hospital
Classification: Pathogenic for Familial X-linked hypophosphatemic vitamin D refractory rickets. Last evaluated: 2017-08-31. Review status: criteria provided, single submitter. Criteria: Classification criteria August 2017. Collection method: clinical testing. Allele origin: germline. Inheritance: X-linked inheritance. Affected: yes. Observed: 1 hemizygote.

Literature cited by the submitters: PubMed 22577109 (cited by Labcorp Genetics (formerly Invitae), Labcorp); PubMed 9097956 (cited by Labcorp Genetics (formerly Invitae), Labcorp); PubMed 9106524 (cited by Labcorp Genetics (formerly Invitae), Labcorp); PubMed 19219621 (cited by Labcorp Genetics (formerly Invitae), Labcorp).

NM_000444.6(PHEX):c.187+1del

Gene: PHEX (phosphate regulating endopeptidase X-linked; plus strand). Cytogenetic location: Xp22.11.
Variant type: Deletion.
Coding change: c.187+1del on transcript NM_000444.6 (MANE Select); the canonical splice donor site of the intron after coding-DNA position 187, one base deleted (G; older notation c.187+1delG).
Molecular consequence: splice donor variant.
Genome position (GRCh38, 1-based): chrX:22,038,538, G deleted; the last of 3 consecutive G bases (chrX:22,038,536-22,038,538); deleting any one gives the same sequence. VCF-style (leftmost placement, unchanged base first): chrX-22038535-CG-C. GRCh37 (hg19) VCF-style: chrX-22056653-CG-C.
Other names: c.187+1del (NM_001282754.2).
Identifiers: ClinVar variation 438539 (VCV000438539.8), dbSNP rs1556012094, ClinGen allele CA645509370.
Genomic context (GRCh38, chrX:22,038,535, plus strand): 5'-AAGGTCTCTTAAGTCTCCAAGCTAAACAGGAGTACTGCCTGAAGCCAGAATGCATCGAAG[CG>C]GGTAAGTCACAGTTTTCCATCCTGTGTCAAGTTATAATTATGGTACCTTGGGAAGTGGAA-3'